The following is an entry in ClinVar:

NM_017934.7(PHIP):c.5009A>T (p.Lys1670Met)

Genes: IRAK1BP1 (interleukin 1 receptor associated kinase 1 binding protein 1; plus strand), PHIP (PHIP subunit of CUL4-Ring ligase complex; minus strand). Cytogenetic location: 6q14.1.
Variant type: single nucleotide variant.
Coding change: c.5009A>T on transcript NM_017934.7 (MANE Select); coding-DNA position 5009, A replaced by T.
Protein change: p.Lys1670Met; replaces lysine 1670 with methionine.
Molecular consequence: missense variant.
Genome position (GRCh38, 1-based): chr6:78,941,150, T>A on the plus strand (A>T on the coding strand, the complement: PHIP is on the minus strand). VCF-style: chr6-78941150-T-A. GRCh37 (hg19) VCF-style: chr6-79650867-T-A.
Other names: short protein forms K1670M.
Identifiers: ClinVar variation 2506614 (VCV002506614.2), dbSNP rs2481766551, ClinGen allele CA364633477.
Genomic context (GRCh38, chr6:78,941,150, plus strand): 5'-GAAGAAGGAAGTACTTCATCTCTGATGGGATGCACATTATTTTGCTCTAAATCTTCTGGC[T>A]TTGCATACTGTAGCTTTTTGGGCTTTCTACCCCTTTTCTTGTGTATAATTTCACCACTAT-3'
Protein context (NP_060404.4, residues 1660-1680): GRKPKKLQYA[Lys1670Met]PEDLEQNNVH

ClinVar aggregate classification (germline): Uncertain significance (1 of 4 stars; one submission).

Submission:

GeneDx
Classification: Uncertain significance. Last evaluated: 2025-04-28. Review status: criteria provided, single submitter. Criteria: GeneDx Variant Classification Process June 2021. Collection method: clinical testing. Allele origin: germline. Affected: yes.
Comment: Not observed at significant frequency in large population cohorts (gnomAD); In silico analysis indicates that this missense variant does not alter protein structure/function; Has not been previously published as pathogenic or benign to our knowledge